The following is an entry in ClinVar:

ClinVar aggregate classification (germline): Benign. Review status: criteria provided, multiple submitters, no conflicts (2 of 4 stars). 15 submissions from 14 submitters: Benign (14). 1 of the submissions does not count toward it. Last evaluated 2026-02-04.

Conditions:
VACTERL association, X-linked, with or without hydrocephalus (VACTERLX). Also called: VACTERL Association with Hydrocephalus, X-linked; X-linked VACTERL-H syndrome; VACTERL-H, X-LINKED; VACTERL ASSOCIATION, X-LINKED. Identifiers: Orphanet 3412, MedGen C2931228, MONDO:0010752, OMIM 314390.
X-linked central congenital hypothyroidism with late-onset testicular enlargement. Also called: HYPOTHYROIDISM, CENTRAL, WITH TESTICULAR ENLARGEMENT; Hypothyroidism, central, and testicular enlargement. Identifiers: Orphanet 329235, MedGen C3550963, MONDO:0010475, OMIM 300888.
Fanconi anemia (FA). Also called: Fanconi's anemia. Identifiers: Orphanet 84, MedGen C0015625, MeSH D005199, MONDO:0019391.
Fanconi anemia complementation group B (FANCB). Also called: FANCONI PANCYTOPENIA, TYPE 2; FANCB-Related Fanconi Anemia. Identifiers: Orphanet 84, MedGen C1845292, MONDO:0010351, OMIM 300514.

Allele frequency attached by ClinVar (database versions not stated): 1000 Genomes Project 0.43364; 1000 Genomes Project 30x 0.44475; gnomAD exomes 0.51661; TOPMed 0.52676; gnomAD 0.53797; ESP Exome Variant Server 0.55391; ExAC 0.56376.

Submissions (15):

Labcorp Genetics (formerly Invitae), Labcorp
Classification: Benign for Fanconi anemia. Last evaluated: 2026-02-04. Review status: criteria provided, single submitter. Criteria: Invitae Variant Classification Sherloc (09022015). Collection method: clinical testing. Allele origin: germline.

ARUP Laboratories, Molecular Genetics and Genomics, ARUP Laboratories
Classification: Benign for Fanconi anemia complementation group B. Last evaluated: 2025-07-21. Review status: criteria provided, single submitter. Criteria: ARUP Molecular Germline Variant Investigation Process 2024. Collection method: clinical testing. Allele origin: germline.

Blueprint Genetics
Classification: Benign. Last evaluated: 2024-11-28. Review status: criteria provided, single submitter. Criteria: ACMG Guidelines, 2015. Collection method: clinical testing. Allele origin: germline.

KCCC/NGS Laboratory, Kuwait Cancer Control Center
Classification: Benign for Fanconi anemia complementation group B. Last evaluated: 2023-07-07. Review status: criteria provided, single submitter. Criteria: ACMG Guidelines, 2015. Collection method: clinical testing. Allele origin: germline. Affected: yes.

Mayo Clinic Laboratories, Mayo Clinic
Classification: Benign. Last evaluated: 2022-09-06. Review status: criteria provided, single submitter. Criteria: ACMG Guidelines, 2015. Collection method: clinical testing. Allele origin: germline. Observed: 38 variant alleles.

Genome-Nilou Lab
Classification: Benign for Fanconi anemia complementation group B. Last evaluated: 2021-08-10. Review status: criteria provided, single submitter. Criteria: ACMG Guidelines, 2015. Collection method: clinical testing. Allele origin: germline. Affected: no.

Sema4
Classification: Benign for Fanconi anemia. Last evaluated: 2019-12-09. Review status: criteria provided, single submitter. Criteria: Sema4 Curation Guidelines. Collection method: curation. Allele origin: germline.

GeneDx
Classification: Benign. Last evaluated: 2018-12-04. Review status: criteria provided, single submitter. Criteria: GeneDx Variant Classification Process June 2021. Collection method: clinical testing. Allele origin: germline. Affected: yes.

Illumina Laboratory Services, Illumina
Classification: Benign for Fanconi anemia complementation group B. Last evaluated: 2018-01-12. Review status: criteria provided, single submitter. Criteria: ICSL Variant Classification Criteria 13 December 2019. Collection method: clinical testing. Allele origin: germline.
Comment: This variant was observed in the ICSL laboratory as part of a predisposition screen in an ostensibly healthy population. It had not been previously curated by ICSL or reported in the Human Gene Mutation Database (HGMD: prior to June 1st, 2018), and was therefore a candidate for classification through an automated scoring system. Utilizing variant allele frequency, disease prevalence and penetrance estimates, and inheritance mode, an automated score was calculated to assess if this variant is too frequent to cause the disease. Based on the score and internal cut-off values, a variant classified as benign is not then subjected to further curation. The score for this variant resulted in a classification of benign for this disease.

Illumina Laboratory Services, Illumina
Classification: Benign for VACTERL association with hydrocephaly, X-linked. Last evaluated: 2018-01-12. Review status: criteria provided, single submitter. Criteria: ICSL Variant Classification Criteria 13 December 2019. Collection method: clinical testing. Allele origin: germline.
Comment: the same text as in the submission from Illumina Laboratory Services, Illumina above.

Laboratory for Molecular Medicine, Mass General Brigham Personalized Medicine
Classification: Benign. Last evaluated: 2016-03-28. Review status: criteria provided, single submitter. Criteria: LMM Criteria. Collection method: clinical testing. Allele origin: germline.
Comment: Variant identified in a genome or exome case(s) and assessed due to predicted null impact of the variant or pathogenic assertions in the literature or databases. Disclaimer: This variant has not undergone full assessment. The following are preliminary notes: Frequency

Eurofins Ntd Llc (ga)
Classification: Benign. Last evaluated: 2013-10-28. Review status: criteria provided, single submitter. Criteria: EGL Classification Definitions 2015. Collection method: clinical testing. Allele origin: germline. Observed: 6 variant alleles, 1 heterozygote, 3 homozygotes, 2 hemizygotes.

Breakthrough Genomics
Classification: Benign. Review status: criteria provided, single submitter. Criteria: ACMG Guidelines, 2015. Collection method: not provided. Allele origin: germline. Inheritance: X-linked inheritance. Affected: yes.

PreventionGenetics, part of Exact Sciences
Classification: Benign. Review status: criteria provided, single submitter. Criteria: ACMG Guidelines, 2015. Collection method: clinical testing. Allele origin: germline.

Leiden Open Variation Database
Classification: Likely benign for X-linked central congenital hypothyroidism with late-onset testicular enlargement. Last evaluated: 2020-02-28. Review status: no assertion criteria provided. Collection method: curation. Allele origin: germline. Affected: yes. Not counted in ClinVar's aggregate classification.
Comment: Curator: Arleen D. Auerbach. Submitter to LOVD: Yu Sun.

NM_001018113.3(FANCB):c.1327-10T>C

Gene: FANCB (FA complementation group B; minus strand). Cytogenetic location: Xp22.2.
Variant type: single nucleotide variant.
Coding change: c.1327-10T>C on transcript NM_001018113.3 (MANE Select); 10 bases into the intron before coding-DNA position 1327, T replaced by C.
Molecular consequence: intron variant.
Genome position (GRCh38, 1-based): chrX:14,850,684, A>G on the plus strand (T>C on the coding strand, the complement: FANCB is on the minus strand). VCF-style: chrX-14850684-A-G. GRCh37 (hg19) VCF-style: chrX-14868806-A-G.
Other names: p.?; c.1327-10T>C (NM_001324162.2, NM_152633.4, NM_152633.3).
Identifiers: ClinVar variation 93467 (VCV000093467.40), dbSNP rs2905223, ClinGen allele CA146991.